The following is an entry in ClinVar:

ClinVar aggregate classification (germline): Uncertain significance. Review status: criteria provided, multiple submitters, no conflicts (2 of 4 stars). 2 submissions from 2 submitters: Uncertain significance (2). Last evaluated 2024-03-28.

Conditions:
Cardiovascular phenotype. Identifiers: MedGen CN230736.
RASopathy. Also called: rasopathies; Noonan spectrum disorder. Identifiers: Orphanet 536391, MedGen C5555857, MONDO:0021060.

Submissions (2):

Labcorp Genetics (formerly Invitae), Labcorp
Classification: Uncertain significance for RASopathy. Last evaluated: 2024-03-28. Review status: criteria provided, single submitter. Criteria: Invitae Variant Classification Sherloc (09022015). Collection method: clinical testing. Allele origin: germline.
Comment: This sequence change falls in intron 9 of the PTPN11 gene. It does not directly change the encoded amino acid sequence of the PTPN11 protein. It affects a nucleotide within the consensus splice site. This variant is not present in population databases (gnomAD no frequency). This variant has not been reported in the literature in individuals affected with PTPN11-related conditions. ClinVar contains an entry for this variant (Variation ID: 1789821). Variants that disrupt the consensus splice site are a relatively common cause of aberrant splicing (PMID: 17576681, 9536098). Algorithms developed to predict the effect of sequence changes on RNA splicing suggest that this variant is not likely to affect RNA splicing. In summary, the available evidence is currently insufficient to determine the role of this variant in disease. Therefore, it has been classified as a Variant of Uncertain Significance.

Ambry Genetics
Classification: Uncertain significance for Cardiovascular phenotype. Last evaluated: 2018-09-26. Review status: criteria provided, single submitter. Criteria: Ambry Variant Classification Scheme 2023. Collection method: clinical testing. Allele origin: germline.
Comment: The c.1093-3C>T intronic variant results from a C to T substitution 3 nucleotides upstream from coding exon 10 in the PTPN11 gene. This nucleotide position is well conserved in available vertebrate species. Using two different splice site prediction tools, this alteration is predicted by ESEfinder to weaken the efficiency of the native splice acceptor site, but is not predicted to have a deleterious effect on this splice acceptor site by BDGP; however, direct evidence is unavailable. Since supporting evidence is limited at this time, the clinical significance of this alteration remains unclear.

Literature cited by the submitters: PubMed 17576681 (cited by Labcorp Genetics (formerly Invitae), Labcorp); PubMed 9536098 (cited by Labcorp Genetics (formerly Invitae), Labcorp).

NM_002834.5(PTPN11):c.1093-3C>T

Gene: PTPN11 (protein tyrosine phosphatase non-receptor type 11; plus strand). Cytogenetic location: 12q24.13.
Variant type: single nucleotide variant.
Coding change: c.1093-3C>T on transcript NM_002834.5 (MANE Select); 3 bases into the intron before coding-DNA position 1093, C replaced by T.
Molecular consequence: intron variant.
Genome position (GRCh38, 1-based): chr12:112,482,071, C>T. VCF-style: chr12-112482071-C-T. GRCh37 (hg19) VCF-style: chr12-112919875-C-T.
Other names: c.1093-3C>T (NM_001330437.2, NM_080601.3); c.1090-3C>T (NM_001374625.1).
Identifiers: ClinVar variation 1789821 (VCV001789821.4), dbSNP rs911355690, ClinGen allele CA243711060.